The following is an entry in ClinVar:

NM_004168.4(SDHA):c.1103T>C (p.Leu368Pro)

Gene: SDHA (succinate dehydrogenase complex flavoprotein subunit A; plus strand). Cytogenetic location: 5p15.33.
Variant type: single nucleotide variant.
Coding change: c.1103T>C on transcript NM_004168.4 (MANE Select); coding-DNA position 1103, T replaced by C.
Protein change: p.Leu368Pro; replaces leucine 368 with proline.
Molecular consequence: missense variant.
Genome position (GRCh38, 1-based): chr5:235,182, T>C. VCF-style: chr5-235182-T-C. GRCh37 (hg19) VCF-style: chr5-235297-T-C.
Other names: c.1103T>C (NM_004168.2); c.959T>C, p.Leu320Pro (NM_001294332.2); c.1103T>C, p.Leu368Pro (NM_001330758.2); short protein forms L368P, L320P.
Identifiers: ClinVar variation 1522232 (VCV001522232.11), dbSNP rs2126584397, ClinGen allele CA359013462.

ClinVar aggregate classification (germline): Uncertain significance. Review status: criteria provided, multiple submitters, no conflicts (2 of 4 stars). 3 submissions from 3 submitters: Uncertain significance (3). Last evaluated 2026-02-05.

Conditions:
Mitochondrial complex II deficiency, nuclear type 1. Also called: SUCCINATE CoQ REDUCTASE DEFICIENCY. Identifiers: Orphanet 3208, MedGen C5700310, MONDO:0100294, OMIM 252011.
Pheochromocytoma/paraganglioma syndrome 5. Also called: Paragangliomas 5; SDHA-Related Hereditary Paraganglioma-Pheochromocytoma Syndrome. Identifiers: Orphanet 29072, MedGen C3279992, MONDO:0013602, OMIM 614165.
Hereditary cancer-predisposing syndrome. Also called: Neoplastic Syndromes, Hereditary; Hereditary Cancer Syndrome; Hereditary neoplastic syndrome; Tumor predisposition. Identifiers: Orphanet 140162, MedGen C0027672, MeSH D009386, MONDO:0015356.

Submissions (3):

Ambry Genetics
Classification: Uncertain significance for Hereditary cancer-predisposing syndrome. Last evaluated: 2026-02-05. Review status: criteria provided, single submitter. Criteria: Ambry Variant Classification Scheme 2023. Collection method: clinical testing. Allele origin: germline.
Comment: The p.L368P variant (also known as c.1103T>C), located in coding exon 9 of the SDHA gene, results from a T to C substitution at nucleotide position 1103. The leucine at codon 368 is replaced by proline, an amino acid with similar properties. This amino acid position is highly conserved in available vertebrate species. In addition, this alteration is predicted to be deleterious by in silico analysis. Based on the available evidence, the clinical significance of this variant remains unclear.

GeneDx
Classification: Uncertain significance. Last evaluated: 2023-10-25. Review status: criteria provided, single submitter. Criteria: GeneDx Variant Classification Process June 2021. Collection method: clinical testing. Allele origin: germline. Affected: yes.
Comment: Not observed at significant frequency in large population cohorts (gnomAD); In silico analysis supports that this missense variant has a deleterious effect on protein structure/function; Has not been previously published as pathogenic or benign to our knowledge

Labcorp Genetics (formerly Invitae), Labcorp
Classification: Uncertain significance for Pheochromocytoma/paraganglioma syndrome 5; Mitochondrial complex II deficiency, nuclear type 1. Last evaluated: 2021-03-22. Review status: criteria provided, single submitter. Criteria: Invitae Variant Classification Sherloc (09022015). Collection method: clinical testing. Allele origin: germline.
Comment: In summary, the available evidence is currently insufficient to determine the role of this variant in disease. Therefore, it has been classified as a Variant of Uncertain Significance. Algorithms developed to predict the effect of missense changes on protein structure and function (SIFT, PolyPhen-2, Align-GVGD) all suggest that this variant is likely to be disruptive, but these predictions have not been confirmed by published functional studies and their clinical significance is uncertain. This variant has not been reported in the literature in individuals with SDHA-related conditions. This variant is not present in population databases (ExAC no frequency). This sequence change replaces leucine with proline at codon 368 of the SDHA protein (p.Leu368Pro). The leucine residue is highly conserved and there is a moderate physicochemical difference between leucine and proline.